The following is an entry in ClinVar:

ClinVar aggregate classification (germline): Likely benign. Review status: reviewed by expert panel (3 of 4 stars). 11 submissions from 11 submitters: Likely benign (1). 10 of the submissions do not count toward it. Last evaluated 2017-06-29.

Conditions:
Hereditary cancer-predisposing syndrome. Also called: Hereditary Cancer Syndrome; Hereditary neoplastic syndrome; Neoplastic Syndromes, Hereditary; Tumor predisposition. Identifiers: Orphanet 140162, MedGen C0027672, MeSH D009386, MONDO:0015356.
Breast-ovarian cancer, familial, susceptibility to, 1 (BROVCA1). Also called: BRCA1 Hereditary Breast and Ovarian Cancer; OVARIAN CANCER, SUSCEPTIBILITY TO. Identifiers: Orphanet 145, MedGen C2676676, MONDO:0011450, OMIM 604370. Disease mechanism: loss of function.
Malignant tumor of breast. Also called: Cancer breast; Malignant breast neoplasm. Identifiers: MedGen C0006142, MONDO:0007254. Disease mechanism: loss of function.
Hereditary breast ovarian cancer syndrome. Also called: BRCA1- and BRCA2-Associated Hereditary Breast and Ovarian Cancer; Hereditary breast and ovarian cancer syndrome; Hereditary breast and ovarian cancer syndrome (HBOC); Breast and ovarian cancer; Hereditary breast and/or ovarian cancer syndrome; Hereditary breast and ovarian cancer. Identifiers: Orphanet 145, MedGen C0677776, MeSH D061325, MONDO:0003582. Disease mechanism: loss of function.

Allele frequency attached by ClinVar (database versions not stated): TOPMed 0.00002.
gnomAD v4.1: 2 of 1,613,962 alleles (0.00012%); highest among the groups gnomAD compares: Non-Finnish European, 0.000085%; no homozygotes.

Submissions (12):

Evidence-based Network for the Interpretation of Germline Mutant Alleles (ENIGMA)
Classification: Likely benign for Breast-ovarian cancer, familial, susceptibility to, 1. Last evaluated: 2017-06-29. Review status: reviewed by expert panel. Criteria: ENIGMA BRCA1/2 Classification Criteria (2017-06-29). Collection method: curation. Allele origin: germline.
Comment: Synonymous substitution variant, with low bioinformatic likelihood to result in a splicing aberration (Splicing prior probability 0.02).

Labcorp Genetics (formerly Invitae), Labcorp
Classification: Likely benign for Hereditary breast ovarian cancer syndrome. Last evaluated: 2025-11-23. Review status: criteria provided, single submitter. Criteria: Invitae Variant Classification Sherloc (09022015). Collection method: clinical testing. Allele origin: germline. Not counted in ClinVar's aggregate classification.

All of Us Research Program, National Institutes of Health
Classification: Likely benign for Breast-ovarian cancer, familial, susceptibility to, 1. Last evaluated: 2023-12-18. Review status: criteria provided, single submitter. Criteria: ACMG Guidelines, 2015. Collection method: clinical testing. Allele origin: germline. Inheritance: Autosomal dominant inheritance. Observed: 4 variant alleles, 4 heterozygotes. Not counted in ClinVar's aggregate classification.
Comment: This study involves interpretation of variants in research participants for the purpose of population health screening. Participant phenotype was not available at the time of variant classification. Additional details can be found in publication PMID: 35346344, PMCID: PMC8962531

Quest Diagnostics Nichols Institute San Juan Capistrano
Classification: Likely benign. Last evaluated: 2022-10-28. Review status: criteria provided, single submitter. Criteria: Quest Diagnostics criteria. Collection method: clinical testing. Allele origin: unknown. Not counted in ClinVar's aggregate classification.

Color Diagnostics, LLC DBA Color Health
Classification: Likely benign for Hereditary cancer-predisposing syndrome. Last evaluated: 2019-08-09. Review status: criteria provided, single submitter. Criteria: ACMG Guidelines, 2015. Collection method: clinical testing. Allele origin: germline. Not counted in ClinVar's aggregate classification.

ARUP Laboratories, Molecular Genetics and Genomics, ARUP Laboratories
Classification: Likely benign. Last evaluated: 2018-10-10. Review status: criteria provided, single submitter. Criteria: ARUP Molecular Germline Variant Investigation Process. Collection method: clinical testing. Allele origin: germline. Not counted in ClinVar's aggregate classification.

Women's Health and Genetics/Laboratory Corporation of America, LabCorp
Classification: Likely benign. Last evaluated: 2016-03-22. Review status: criteria provided, single submitter. Criteria: LabCorp Variant Classification Summary - May 2015. Collection method: clinical testing. Allele origin: germline. Not counted in ClinVar's aggregate classification.
Comment: Variant Summary: The BRCA1 c.5538G>A variant involves the alteration of a non-conserved nucleotide resulting in a synonymous change. 3/5 in silico tools via Alamut predict no significant effect on splicing. The variant was observed in the large and broad cohorts of the ExAC project at an allele frequency of 0.0008% which does not exceed the maximal expected allele frequency for a pathogenic variant in BRCA1 (0.10%). The variant was reported in the literature in an individual who also carried a pathogenic BRCA1 variant on opposite allele (c.66_67delAG; Diez_2003), strongly suggesting the benign nature of the variant. Additionally, functional studies show the variant to have no effect on splicing (Houdayer_2012). Multiple reputable clinical labs have classified the variant as "likely benign." Therefore, this variant was classified as Likely Benign.

Ambry Genetics
Classification: Likely benign for Hereditary cancer-predisposing syndrome. Last evaluated: 2014-10-22. Review status: criteria provided, single submitter. Criteria: Ambry Variant Classification Scheme 2023. Collection method: clinical testing. Allele origin: germline. Not counted in ClinVar's aggregate classification.

Research Molecular Genetics Laboratory, Women's College Hospital, University of Toronto
Classification: Benign. Last evaluated: 2014-01-31. Review status: no assertion criteria provided. Collection method: research. Allele origin: germline. Affected: yes. Study: The Canadian Open Genetics Repository (COGR). Not counted in ClinVar's aggregate classification.

Breast Cancer Information Core (BIC) (BRCA1)
Classification: Uncertain significance for Breast-ovarian cancer, familial 1. Last evaluated: 1997-03-11. Review status: no assertion criteria provided. Collection method: clinical testing. Allele origin: germline. Affected: yes. Observed: 1 variant allele. Not counted in ClinVar's aggregate classification.

Brotman Baty Institute, University of Washington
No classification provided (evidence only). Condition: Breast-ovarian cancer, familial 1. Review status: no classification provided. Collection method: in vitro. Allele origin: not applicable. Functional consequence: functionally_normal. Not counted in ClinVar's aggregate classification.
ClinVar note: "not provided" was previously submitted as the classification for the variant. However, the classification appeared to be based only on an observation of functional data so it was converted to no classification on 2025-07-30.

Department of Pathology and Laboratory Medicine, Sinai Health System
Classification: Likely benign for Malignant tumor of breast. Review status: no assertion criteria provided. Collection method: clinical testing. Allele origin: unknown. Affected: yes. Study: The Canadian Open Genetics Repository (COGR). Not counted in ClinVar's aggregate classification.
Comment: The BRCA1 p.Gln1846Gln variant is not expected to have clinical significance because it does not result in a change of amino acid and is not located in a known consensus splice site. In addition, in silico or computational prediction software programs (SpliceSiteFinder, MaxEntScan, NNSPLICE, GeneSplicer, HumanSpliceFinder) do not predict a difference in splicing, and RNA analysis of the variant by Houdayer (2012) found no difference in splicing. The variant was identified in at least 3 of 113162 proband chromosomes (frequency: 0.001) from individuals or families with breast or ovarian cancer, and was not identified in 200 control chromosomes from healthy individuals (Diez_2003_12955716, Judkins_2005_16267036, Houdayer_2012_22505045); however, an insufficient number of controls were included in these studies to determine the frequency of this variant in the general population. The variant is listed in the dbSNP database (ID: rs80356849) â€šÃ„ÃºWith Uncertain significance alleleâ€šÃ„Ã¹, but frequency information was not available from the general population. The variant was also identified in the ClinVar database, LOVD, the BIC database (1X with unknown clinical importance), and the UMD (1X as a likely neutral variant). In summary, based on the above information, the clinical significance of this variant cannot be determined with certainty at this time although we would lean towards a more benign role for this variant. This variant is classified as predicted benign.

Literature cited by the submitters: PubMed 12955716 (cited by Quest Diagnostics Nichols Institute San Juan Capistrano and Women's Health and Genetics/Laboratory Corporation of America, LabCorp); PubMed 30209399 (cited by Quest Diagnostics Nichols Institute San Juan Capistrano); PubMed 22505045 (cited by Quest Diagnostics Nichols Institute San Juan Capistrano and Women's Health and Genetics/Laboratory Corporation of America, LabCorp).

NM_007294.4(BRCA1):c.5538G>A (p.Gln1846=)

Gene: BRCA1 (BRCA1 DNA repair associated; minus strand). Cytogenetic location: 17q21.31.
Variant type: single nucleotide variant.
Coding change: c.5538G>A on transcript NM_007294.4 (MANE Select); coding-DNA position 5538, G replaced by A.
Protein change: p.Gln1846=; no amino-acid change (glutamine 1846 retained).
Molecular consequence: synonymous variant. On other transcripts: 3 prime UTR variant (17).
Genome position (GRCh38, 1-based): chr17:43,045,732, C>T on the plus strand (G>A on the coding strand, the complement: BRCA1 is on the minus strand). VCF-style: chr17-43045732-C-T. GRCh37 (hg19) VCF-style: chr17-41197749-C-T.
Other names: 5657G/A; c.2223G>A, p.Gln741= (NM_001408399.1, NM_001408400.1, NM_001408401.1 and 7 more transcripts); c.2220G>A, p.Gln740= (NM_001408406.1, NM_001408407.1, NM_001408408.1); c.2217G>A, p.Gln739= (NM_001408409.1); c.2154G>A, p.Gln718= (NM_001408410.1); c.2151G>A, p.Gln717= (NM_001408411.1); c.2148G>A, p.Gln716= (NM_001408412.1, NM_001408413.1, NM_001408414.1 and 2 more transcripts); c.2112G>A, p.Gln704= (NM_001408418.1, NM_001408419.1, NM_001408420.1); and 75 more.
Identifiers: ClinVar variation 55621 (VCV000055621.29), dbSNP rs80356849, ClinGen allele CA003705.